The following is an entry in ClinVar:

NM_000061.3(BTK):c.815C>G (p.Ala272Gly)

Gene: BTK (Bruton tyrosine kinase; minus strand). Cytogenetic location: Xq22.1.
Variant type: single nucleotide variant.
Coding change: c.815C>G on transcript NM_000061.3 (MANE Select); coding-DNA position 815, C replaced by G.
Protein change: p.Ala272Gly; replaces alanine 272 with glycine.
Molecular consequence: missense variant.
Genome position (GRCh38, 1-based): chrX:101,360,112, G>C on the plus strand (C>G on the coding strand, the complement: BTK is on the minus strand). VCF-style: chrX-101360112-G-C. GRCh37 (hg19) VCF-style: chrX-100615100-G-C.
Other names: c.917C>G, p.Ala306Gly (NM_001287344.2); c.815C>G, p.Ala272Gly (NM_001287345.2); short protein forms A306G, A272G.
Identifiers: ClinVar variation 4775299 (VCV004775299.1).

ClinVar aggregate classification (germline): Uncertain significance (1 of 4 stars; one submission).

Conditions:
X-linked agammaglobulinemia with growth hormone deficiency (IGHD3). Also called: AGAMMAGLOBULINEMIA AND ISOLATED GROWTH HORMONE DEFICIENCY, X-LINKED; FLEISHER SYNDROME; ISOLATED GROWTH HORMONE DEFICIENCY, TYPE III, WITH AGAMMAGLOBULINEMIA; Isolated growth hormone deficiency type 3; Growth hormone deficiency with hypogammaglobulinemia; HYPOGAMMAGLOBULINEMIA AND ISOLATED GROWTH HORMONE DEFICIENCY, X-LINKED. Identifiers: Orphanet 231692, Orphanet 631, MedGen C0472813, MONDO:0010615, OMIM 307200.

gnomAD v4.1: 8 of 1,205,047 alleles (0.00066%); highest among the groups gnomAD compares: African/African-American, 0.0018%; no homozygotes.

Submission:

Labcorp Genetics (formerly Invitae), Labcorp
Classification: Uncertain significance for X-linked agammaglobulinemia with growth hormone deficiency. Last evaluated: 2025-02-06. Review status: criteria provided, single submitter. Criteria: Invitae Variant Classification Sherloc (09022015). Collection method: clinical testing. Allele origin: germline.
Comment: This sequence change replaces alanine, which is neutral and non-polar, with glycine, which is neutral and non-polar, at codon 272 of the BTK protein (p.Ala272Gly). This variant is not present in population databases (gnomAD no frequency). This variant has not been reported in the literature in individuals affected with BTK-related conditions. Invitae Evidence Modeling of protein sequence and biophysical properties (such as structural, functional, and spatial information, amino acid conservation, physicochemical variation, residue mobility, and thermodynamic stability) indicates that this missense variant is not expected to disrupt BTK protein function with a negative predictive value of 95%. In summary, the available evidence is currently insufficient to determine the role of this variant in disease. Therefore, it has been classified as a Variant of Uncertain Significance.